The following is an entry in ClinVar:

NM_001322934.2(NFKB2):c.2467C>T (p.Leu823=)

Gene: NFKB2 (nuclear factor kappa B subunit 2; plus strand). Cytogenetic location: 10q24.32.
Variant type: single nucleotide variant.
Coding change: c.2467C>T on transcript NM_001322934.2 (MANE Select); coding-DNA position 2467, C replaced by T.
Protein change: p.Leu823=; no amino-acid change (leucine 823 retained).
Molecular consequence: synonymous variant.
Genome position (GRCh38, 1-based): chr10:102,402,048, C>T. VCF-style: chr10-102402048-C-T. GRCh37 (hg19) VCF-style: chr10-104161805-C-T.
Other names: c.2467C>T, p.Leu823= (NM_001077493.1, NM_001077494.3, NM_001261403.3 and 2 more transcripts); c.2341C>T, p.Leu781= (NM_001322935.1).
Identifiers: ClinVar variation 1985473 (VCV001985473.4), dbSNP rs2061268827, ClinGen allele CA471245851.

ClinVar aggregate classification (germline): Uncertain significance (1 of 4 stars; one submission).

Conditions:
Immunodeficiency, common variable, 10. Also called: IMMUNODEFICIENCY, COMMON VARIABLE, WITH CENTRAL ADRENAL INSUFFICIENCY; DEFICIT IN ANTERIOR PITUITARY FUNCTION AND VARIABLE IMMUNODEFICIENCY. Identifiers: MedGen C3809991, MONDO:0014260, OMIM 615577.

Allele frequency attached by ClinVar (database versions not stated): gnomAD exomes below 0.00001; TOPMed below 0.00001.

Submission:

Labcorp Genetics (formerly Invitae), Labcorp
Classification: Uncertain significance for Immunodeficiency, common variable, 10. Last evaluated: 2024-04-15. Review status: criteria provided, single submitter. Criteria: Invitae Variant Classification Sherloc (09022015). Collection method: clinical testing. Allele origin: germline.
Comment: This sequence change affects codon 823 of the NFKB2 mRNA. It is a 'silent' change, meaning that it does not change the encoded amino acid sequence of the NFKB2 protein. It affects a nucleotide within the consensus splice site. This variant is not present in population databases (gnomAD no frequency). This variant has not been reported in the literature in individuals affected with NFKB2-related conditions. ClinVar contains an entry for this variant (Variation ID: 1985473). Algorithms developed to predict the effect of sequence changes on RNA splicing suggest that this variant is not likely to affect RNA splicing. In summary, the available evidence is currently insufficient to determine the role of this variant in disease. Therefore, it has been classified as a Variant of Uncertain Significance.